The following is an entry in ClinVar:

ClinVar aggregate classification (germline): Uncertain significance (1 of 4 stars; one submission).

Submission:

Labcorp Genetics (formerly Invitae), Labcorp
Classification: Uncertain significance. Last evaluated: 2024-03-23. Review status: criteria provided, single submitter. Criteria: Invitae Variant Classification Sherloc (09022015). Collection method: clinical testing. Allele origin: germline.
Comment: This sequence change replaces histidine, which is basic and polar, with arginine, which is basic and polar, at codon 6 of the MICAL1 protein (p.His6Arg). This variant is present in population databases (no rsID available, gnomAD 0.002%). This variant has not been reported in the literature in individuals affected with MICAL1-related conditions. Experimental studies and prediction algorithms are not available or were not evaluated, and the functional significance of this variant is currently unknown. In summary, the available evidence is currently insufficient to determine the role of this variant in disease. Therefore, it has been classified as a Variant of Uncertain Significance.

NM_022765.4(MICAL1):c.-41A>G

Gene: MICAL1 (microtubule associated monooxygenase, calponin and LIM domain containing 1; minus strand). Cytogenetic location: 6q21.
Variant type: single nucleotide variant.
Coding change: c.-41A>G on transcript NM_022765.4 (MANE Select); 41 bases upstream of the start codon, A replaced by G.
Molecular consequence: 5 prime UTR variant. On other transcripts: missense variant (1).
Genome position (GRCh38, 1-based): chr6:109,454,237, T>C on the plus strand (A>G on the coding strand, the complement: MICAL1 is on the minus strand). VCF-style: chr6-109454237-T-C. GRCh37 (hg19) VCF-style: chr6-109775440-T-C.
Other names: c.-41A>G (NM_001159291.2); c.17A>G, p.His6Arg (NM_001286613.2); short protein forms H6R.
Identifiers: ClinVar variation 3672502 (VCV003672502.2).
Genomic context (GRCh38, chr6:109,454,237, plus strand): 5'-GTGGAGGTAGGTGAAGCCATGGAGGCCTCCTGGGGAGGGCAGCAGCTGGGCAGAGATGAG[T>C]GGCTGGAGAGGTGGAAAAAGAAGGGGAAGAGGCTGGAGAACAGAAGAAATAAAAAGGAAG-3'